The following is an entry in ClinVar:

NM_001270508.2(TNFAIP3):c.483_484delinsCT (p.Arg162Trp)

Gene: TNFAIP3 (TNF alpha induced protein 3; plus strand). Cytogenetic location: 6q23.3.
Variant type: Indel.
Coding change: c.483_484delinsCT on transcript NM_001270508.2 (MANE Select); coding-DNA positions 483 to 484, TC replaced by CT.
Protein change: p.Arg162Trp; replaces arginine 162 with tryptophan.
Molecular consequence: missense variant.
Genome position (GRCh38, 1-based): chr6:137,875,032-137,875,033, TC replaced by CT. VCF-style: chr6-137875032-TC-CT. GRCh37 (hg19) VCF-style: chr6-138196169-TC-CT.
Other names: c.483_484delinsCT, p.Arg162Trp (NM_001270507.2, NM_006290.4); short protein forms R162W.
Identifiers: ClinVar variation 4717706 (VCV004717706.1).

ClinVar aggregate classification (germline): Uncertain significance (1 of 4 stars; one submission).

Submission:

Labcorp Genetics (formerly Invitae), Labcorp
Classification: Uncertain significance. Last evaluated: 2025-04-22. Review status: criteria provided, single submitter. Criteria: Invitae Variant Classification Sherloc (09022015). Collection method: clinical testing. Allele origin: germline.
Comment: This sequence change replaces arginine, which is basic and polar, with tryptophan, which is neutral and slightly polar, at codon 162 of the TNFAIP3 protein (p.Arg162Trp). Information on the frequency of this variant in the gnomAD database is not available, as this variant may be reported differently in the database. This variant has not been reported in the literature in individuals affected with TNFAIP3-related conditions. Experimental studies and prediction algorithms are not available or were not evaluated, and the functional significance of this variant is currently unknown. In summary, the available evidence is currently insufficient to determine the role of this variant in disease. Therefore, it has been classified as a Variant of Uncertain Significance.